The following is an entry in ClinVar:

ClinVar aggregate classification (germline): Uncertain significance (1 of 4 stars; one submission).

Submission:

Labcorp Genetics (formerly Invitae), Labcorp
Classification: Uncertain significance. Last evaluated: 2023-07-07. Review status: criteria provided, single submitter. Criteria: Invitae Variant Classification Sherloc (09022015). Collection method: clinical testing. Allele origin: germline.
Comment: In summary, the available evidence is currently insufficient to determine the role of this variant in disease. Therefore, it has been classified as a Variant of Uncertain Significance. This sequence change replaces valine, which is neutral and non-polar, with phenylalanine, which is neutral and non-polar, at codon 108 of the LRP5 protein (p.Val108Phe). This variant is not present in population databases (gnomAD no frequency). This variant has not been reported in the literature in individuals affected with LRP5-related conditions. ClinVar contains an entry for this variant (Variation ID: 1476477). Advanced modeling of protein sequence and biophysical properties (such as structural, functional, and spatial information, amino acid conservation, physicochemical variation, residue mobility, and thermodynamic stability) has been performed at Invitae for this missense variant, however the output from this modeling did not meet the statistical confidence thresholds required to predict the impact of this variant on LRP5 protein function.

NM_002335.4(LRP5):c.322G>T (p.Val108Phe)

Gene: LRP5 (LDL receptor related protein 5; plus strand). Cytogenetic location: 11q13.2.
Variant type: single nucleotide variant.
Coding change: c.322G>T on transcript NM_002335.4 (MANE Select); coding-DNA position 322, G replaced by T.
Protein change: p.Val108Phe; replaces valine 108 with phenylalanine.
Molecular consequence: missense variant. On other transcripts: 5 prime UTR variant (1).
Genome position (GRCh38, 1-based): chr11:68,348,077, G>T. VCF-style: chr11-68348077-G-T. GRCh37 (hg19) VCF-style: chr11-68115545-G-T.
Other names: c.-1444G>T (NM_001291902.2); short protein forms V108F.
Identifiers: ClinVar variation 1476477 (VCV001476477.6), dbSNP rs2153129530, ClinGen allele CA381610528.
Genomic context (GRCh38, chr11:68,348,077, plus strand): 5'-AAGCAGACCTACCTGAACCAGACGGGGGCCGCCGTGCAGAACGTGGTCATCTCCGGCCTG[G>T]TCTCTCCCGACGGCCTCGCCTGCGACTGGGTGGGCAAGAAGCTGTACTGGACGGACTCAG-3'
Protein context (NP_002326.2, residues 98-118): AVQNVVISGL[Val108Phe]SPDGLACDWV